The following is an entry in ClinVar:

NM_001008537.3(NEXMIF):c.1597del (p.Arg533fs)

Gene: NEXMIF (neurite extension and migration factor; minus strand). Cytogenetic location: Xq13.3.
Variant type: Deletion.
Coding change: c.1597del on transcript NM_001008537.3 (MANE Select); coding-DNA position 1597, one base deleted (C; older notation c.1597delC).
Protein change: p.Arg533fs; shifts the reading frame from arginine 533.
Molecular consequence: frameshift variant.
Genome position (GRCh38, 1-based): chrX:74,742,960, G deleted on the plus strand (C on the coding strand, the reverse complement: NEXMIF is on the minus strand); the first of 3 consecutive G bases (chrX:74,742,960-74,742,962); deleting any one gives the same sequence. VCF-style (leftmost placement, unchanged base first): chrX-74742959-CG-C. GRCh37 (hg19) VCF-style: chrX-73962794-CG-C.
Other names: short protein forms R533fs.
Identifiers: ClinVar variation 435602 (VCV000435602.13), dbSNP rs1556016632, ClinGen allele CA645373308.
Genomic context (GRCh38, chrX:74,742,959, plus strand): 5'-TTCTTCTCACCTTTAAAGCGATTAATGATGATATATTTGATAATAACAGGGGGCTCCTTA[CG>C]GGTTACTTTTCTTCTCTTTTTGGGACACCATTCATCATCATCTTCCTCTTTGGAACCAAC-3'

ClinVar aggregate classification (germline): Pathogenic. Review status: criteria provided, multiple submitters, no conflicts (2 of 4 stars). 2 submissions from 2 submitters: Pathogenic (2). Last evaluated 2019-04-09.

Conditions:
X-linked intellectual disability, Cantagrel type (XLID98). Also called: INTELLECTUAL DEVELOPMENTAL DISORDER, X-LINKED 98. Identifiers: Orphanet 85277, MedGen C3806730, MONDO:0010483, OMIM 300912.

Submissions (2):

Labcorp Genetics (formerly Invitae), Labcorp
Classification: Pathogenic. Last evaluated: 2019-04-09. Review status: criteria provided, single submitter. Criteria: Invitae Variant Classification Sherloc (09022015). Collection method: clinical testing. Allele origin: germline.
Comment: For these reasons, this variant has been classified as Pathogenic. Loss-of-function variants in NEXMIF are known to be pathogenic (PMID: 23615299). Algorithms developed to predict the effect of sequence changes on RNA splicing suggest that this variant may create or strengthen a splice site, but this prediction has not been confirmed by published transcriptional studies. This variant has not been reported in the literature in individuals with NEXMIF-related conditions. ClinVar contains an entry for this variant (Variation ID: 435602). This variant is not present in population databases (ExAC no frequency). This sequence change creates a premature translational stop signal (p.Arg533Valfs*24) in the NEXMIF gene. It is expected to result in an absent or disrupted protein product.

Genetic Services Laboratory, University of Chicago
Classification: Pathogenic for Mental retardation, X-linked 98. Last evaluated: 2017-02-02. Review status: criteria provided, single submitter. Criteria: ACMG Guidelines, 2015. Collection method: clinical testing. Allele origin: germline. Affected: yes.

Literature cited by the submitters: PubMed 23615299 (cited by Labcorp Genetics (formerly Invitae), Labcorp).